The following is an entry in ClinVar:

ClinVar aggregate classification (germline): Uncertain significance (1 of 4 stars; one submission).

Submission:

Labcorp Genetics (formerly Invitae), Labcorp
Classification: Uncertain significance. Last evaluated: 2025-01-06. Review status: criteria provided, single submitter. Criteria: Invitae Variant Classification Sherloc (09022015). Collection method: clinical testing. Allele origin: germline.
Comment: This sequence change replaces lysine, which is basic and polar, with glutamine, which is neutral and polar, at codon 3247 of the HSPG2 protein (p.Lys3247Gln). This variant is present in population databases (no rsID available, gnomAD 0.01%). This missense change has been observed in individual(s) with clinical features of HSPG2-related conditions (internal data). In at least one individual the data is consistent with being in trans (on the opposite chromosome) from a pathogenic variant. An algorithm developed to predict the effect of missense changes on protein structure and function (PolyPhen-2) suggests that this variant is likely to be disruptive. In summary, the available evidence is currently insufficient to determine the role of this variant in disease. Therefore, it has been classified as a Variant of Uncertain Significance.

NM_005529.7(HSPG2):c.9739A>C (p.Lys3247Gln)

Gene: HSPG2 (heparan sulfate proteoglycan 2; minus strand). Cytogenetic location: 1p36.12.
Variant type: single nucleotide variant.
Coding change: c.9739A>C on transcript NM_005529.7 (MANE Select); coding-DNA position 9739, A replaced by C.
Protein change: p.Lys3247Gln; replaces lysine 3247 with glutamine.
Molecular consequence: missense variant.
Genome position (GRCh38, 1-based): chr1:21,839,521, T>G on the plus strand (A>C on the coding strand, the complement: HSPG2 is on the minus strand). VCF-style: chr1-21839521-T-G. GRCh37 (hg19) VCF-style: chr1-22166014-T-G.
Other names: c.9742A>C, p.Lys3248Gln (NM_001291860.2); short protein forms K3247Q, K3248Q.
Identifiers: ClinVar variation 3614963 (VCV003614963.2).